The following is an entry in ClinVar:

NM_001363711.2(DUOX2):c.3235G>A (p.Gly1079Ser)

Gene: DUOX2 (dual oxidase 2; minus strand). Cytogenetic location: 15q21.1.
Variant type: single nucleotide variant.
Coding change: c.3235G>A on transcript NM_001363711.2 (MANE Select); coding-DNA position 3235, G replaced by A.
Protein change: p.Gly1079Ser; replaces glycine 1079 with serine.
Molecular consequence: missense variant.
Genome position (GRCh38, 1-based): chr15:45,099,842, C>T on the plus strand (G>A on the coding strand, the complement: DUOX2 is on the minus strand). VCF-style: chr15-45099842-C-T. GRCh37 (hg19) VCF-style: chr15-45392040-C-T.
Other names: c.3235G>A, p.Gly1079Ser (NM_014080.5); short protein forms G1079S.
Identifiers: ClinVar variation 1693393 (VCV001693393.2), dbSNP rs2141144373, ClinGen allele CA392262448.

ClinVar aggregate classification (germline): Uncertain significance (1 of 4 stars; one submission).

gnomAD v4.1: 1 of 1,614,118 alleles (0.000062%); highest among the groups gnomAD compares: Non-Finnish European, 0.000085%; no homozygotes.

Submission:

GeneDx
Classification: Uncertain significance. Last evaluated: 2022-01-02. Review status: criteria provided, single submitter. Criteria: GeneDx Variant Classification Process June 2021. Collection method: clinical testing. Allele origin: germline. Affected: yes.
Comment: Not observed at significant frequency in large population cohorts (gnomAD); In silico analysis supports that this missense variant has a deleterious effect on protein structure/function; Has not been previously published as pathogenic or benign to our knowledge